The following is an entry in ClinVar:

NM_006031.6(PCNT):c.3944G>A (p.Cys1315Tyr)

Gene: PCNT (pericentrin; plus strand). Cytogenetic location: 21q22.3.
Variant type: single nucleotide variant.
Coding change: c.3944G>A on transcript NM_006031.6 (MANE Select); coding-DNA position 3944, G replaced by A.
Protein change: p.Cys1315Tyr; replaces cysteine 1315 with tyrosine.
Molecular consequence: missense variant.
Genome position (GRCh38, 1-based): chr21:46,390,773, G>A. VCF-style: chr21-46390773-G-A. GRCh37 (hg19) VCF-style: chr21-47810688-G-A.
Other names: c.3590G>A, p.Cys1197Tyr (NM_001315529.2); short protein forms C1197Y, C1315Y.
Identifiers: ClinVar variation 3350855 (VCV003350855.1).

ClinVar aggregate classification (germline): Uncertain significance (0 of 4 stars; one submission).

Conditions:
PCNT-related disorder. Also called: PCNT-related condition.

gnomAD v4.1: 6 of 1,612,978 alleles (0.00037%); highest among the groups gnomAD compares: African/African-American, 0.0067%; no homozygotes.

Submission:

PreventionGenetics, part of Exact Sciences
Classification: Uncertain significance for PCNT-related condition. Last evaluated: 2024-01-16. Review status: no assertion criteria provided. Collection method: clinical testing. Allele origin: germline.
Comment: The PCNT c.3944G>A variant is predicted to result in the amino acid substitution p.Cys1315Tyr. To our knowledge, this variant has not been reported in the literature. This variant is reported in 0.0062% of alleles in individuals of African descent in gnomAD. At this time, the clinical significance of this variant is uncertain due to the absence of conclusive functional and genetic evidence.